The following is an entry in ClinVar:

ClinVar aggregate classification (germline): Benign. Review status: criteria provided, multiple submitters, no conflicts (2 of 4 stars). 3 submissions from 3 submitters: Benign (3). Last evaluated 2026-01-27.

Conditions:
Hereditary spastic paraplegia 50 (SPG50). Also called: Spastic paraplegia 50, autosomal recessive. Identifiers: Orphanet 280763, MedGen C2752008, MONDO:0013048, OMIM 612936.

Allele frequency attached by ClinVar (database versions not stated): gnomAD exomes 0.00145; gnomAD 0.00997; TOPMed 0.01021; 1000 Genomes Project 0.01158; ESP Exome Variant Server 0.01200; 1000 Genomes Project 30x 0.01202.
gnomAD v4.1: 3,735 of 1,577,702 alleles (0.24%); highest among the groups gnomAD compares: African/African-American, 3.5%; 43 homozygotes.

Submissions (3):

Labcorp Genetics (formerly Invitae), Labcorp
Classification: Benign for Hereditary spastic paraplegia 50. Last evaluated: 2026-01-27. Review status: criteria provided, single submitter. Criteria: Invitae Variant Classification Sherloc (09022015). Collection method: clinical testing. Allele origin: germline.

GeneDx
Classification: Benign. Last evaluated: 2017-03-28. Review status: criteria provided, single submitter. Criteria: GeneDx Variant Classification (06012015). Collection method: clinical testing. Allele origin: germline. Affected: yes.
Comment: This variant is considered likely benign or benign based on one or more of the following criteria: it is a conservative change, it occurs at a poorly conserved position in the protein, it is predicted to be benign by multiple in silico algorithms, and/or has population frequency not consistent with disease.

Breakthrough Genomics
Classification: Benign. Review status: criteria provided, single submitter. Criteria: ACMG Guidelines, 2015. Collection method: not provided. Allele origin: germline. Inheritance: Autosomal recessive inheritance. Affected: yes.

NM_004722.4(AP4M1):c.58+12C>T

Gene: AP4M1 (adaptor related protein complex 4 subunit mu 1; plus strand). Cytogenetic location: 7q22.1.
Variant type: single nucleotide variant.
Coding change: c.58+12C>T on transcript NM_004722.4 (MANE Select); 12 bases into the intron after coding-DNA position 58, C replaced by T.
Molecular consequence: intron variant.
Genome position (GRCh38, 1-based): chr7:100,101,784, C>T. VCF-style: chr7-100101784-C-T. GRCh37 (hg19) VCF-style: chr7-99699407-C-T.
Other names: c.58+12C>T (NM_001363671.2).
Identifiers: ClinVar variation 506694 (VCV000506694.13), dbSNP rs189367118, ClinGen allele CA4374386.